The following is an entry in ClinVar:

ClinVar aggregate classification (germline): Pathogenic. Review status: reviewed by expert panel (3 of 4 stars). 8 submissions from 8 submitters: Pathogenic (1). 7 of the submissions do not count toward it. Last evaluated 2016-10-18.

Conditions:
Familial cancer of breast. Also called: BREAST CANCER, FAMILIAL; hereditary breast carcinoma; Hereditary breast cancer. Identifiers: Orphanet 227535, MedGen C0346153, MONDO:0016419, OMIM 114480. Disease mechanism: loss of function.
Hereditary breast ovarian cancer syndrome. Also called: Hereditary breast and ovarian cancer syndrome (HBOC); Breast and ovarian cancer; Hereditary breast and ovarian cancer syndrome; Hereditary breast and ovarian cancer; BRCA1- and BRCA2-Associated Hereditary Breast and Ovarian Cancer; Hereditary breast and/or ovarian cancer syndrome. Identifiers: Orphanet 145, MedGen C0677776, MeSH D061325, MONDO:0003582. Disease mechanism: loss of function.
Breast-ovarian cancer, familial, susceptibility to, 1 (BROVCA1). Also called: BRCA1 Hereditary Breast and Ovarian Cancer; OVARIAN CANCER, SUSCEPTIBILITY TO. Identifiers: Orphanet 145, MedGen C2676676, MONDO:0011450, OMIM 604370. Disease mechanism: loss of function.

Submissions (8):

Evidence-based Network for the Interpretation of Germline Mutant Alleles (ENIGMA)
Classification: Pathogenic for Breast-ovarian cancer, familial, susceptibility to, 1. Last evaluated: 2016-10-18. Review status: reviewed by expert panel. Criteria: ENIGMA BRCA1/2 Classification Criteria (2015). Collection method: curation. Allele origin: germline.
Comment: Variant allele predicted to encode a truncated non-functional protein.

Labcorp Genetics (formerly Invitae), Labcorp
Classification: Pathogenic for Hereditary breast ovarian cancer syndrome. Last evaluated: 2025-08-07. Review status: criteria provided, single submitter. Criteria: Invitae Variant Classification Sherloc (09022015). Collection method: clinical testing. Allele origin: germline. Not counted in ClinVar's aggregate classification.
Comment: This sequence change creates a premature translational stop signal (p.Ser1097Cysfs*4) in the BRCA1 gene. It is expected to result in an absent or disrupted protein product. Loss-of-function variants in BRCA1 are known to be pathogenic (PMID: 20104584). This variant is not present in population databases (gnomAD no frequency). This variant has not been reported in the literature in individuals affected with BRCA1-related conditions. ClinVar contains an entry for this variant (Variation ID: 266346). For these reasons, this variant has been classified as Pathogenic.

German Consortium for Hereditary Breast and Ovarian Cancer, University Hospital Cologne
Classification: Pathogenic for Hereditary breast ovarian cancer syndrome. Last evaluated: 2024-12-10. Review status: criteria provided, single submitter. Criteria: ClinGen BRCA1 V1.1.0. Collection method: curation. Allele origin: germline. Not counted in ClinVar's aggregate classification.
Comment: According to the ClinGen ENIGMA BRCA1 v1.1.0 criteria we chose these criteria: PVS1 (very strong pathogenic): table 4, PM5 (strong pathogenic): Table 4, PTC in Exon 11

Institute of Human Genetics, University of Leipzig Medical Center
Classification: Pathogenic for Familial cancer of breast. Last evaluated: 2024-10-04. Review status: criteria provided, single submitter. Criteria: ACMG Guidelines, 2015. Collection method: clinical testing. Allele origin: paternal. Inheritance: Autosomal dominant inheritance. Affected: yes. Not counted in ClinVar's aggregate classification.
Comment: Criteria applied: PVS1,PM5_STR,PM2_SUP

MGZ Medical Genetics Center
Classification: Pathogenic for Breast-ovarian cancer, familial, susceptibility to, 1. Last evaluated: 2022-03-04. Review status: criteria provided, single submitter. Criteria: ACMG Guidelines, 2015. Collection method: clinical testing. Allele origin: germline. Affected: yes. Observed: 1 variant allele. Not counted in ClinVar's aggregate classification.
Comment: ACMG criteria applied: PVS1, PS4_SUP, PM2_SUP

ARUP Laboratories, Molecular Genetics and Genomics, ARUP Laboratories
Classification: Pathogenic. Last evaluated: 2022-01-19. Review status: criteria provided, single submitter. Criteria: ARUP Molecular Germline Variant Investigation Process 2021. Collection method: clinical testing. Allele origin: germline. Not counted in ClinVar's aggregate classification.
Comment: The BRCA1 c.3243_3288dup; p.Ser1097fs variant (rs1555588016), to our knowledge, is not reported in the medical literature but is reported in ClinVar (Variation ID: 266346) and is classified as pathogenic by the evidence-based network for the interpretation of germline mutant alleles (ENIGMA) expert panel (see link to ENIGMA consortium classification criteria). This variant is absent from the Genome Aggregation Database, indicating it is not a common polymorphism. This variant causes a frameshift by inserting 46 nucleotides, so it is predicted to result in a truncated protein or mRNA subject to nonsense-mediated decay. Based on available information, this variant is considered to be pathogenic. References: Link to ENIGMA classification criteria

Institute for Clinical Genetics, University Hospital TU Dresden, University Hospital TU Dresden
Classification: Pathogenic. Last evaluated: 2021-11-03. Review status: criteria provided, single submitter. Criteria: ACMG Guidelines, 2015. Collection method: clinical testing. Allele origin: germline. Not counted in ClinVar's aggregate classification.

Consortium of Investigators of Modifiers of BRCA1/2 (CIMBA), c/o University of Cambridge
Classification: Pathogenic for Breast-ovarian cancer, familial, susceptibility to, 1. Last evaluated: 2015-10-02. Review status: criteria provided, single submitter. Criteria: CIMBA Mutation Classification guidelines May 2016. Collection method: clinical testing. Allele origin: germline. Not counted in ClinVar's aggregate classification.

Literature cited by the submitters: PubMed 20104584 (cited by Labcorp Genetics (formerly Invitae), Labcorp).

NM_007294.4(BRCA1):c.3243_3288dup (p.Ser1097delinsCysTyrAlaTer)

Genes: BRCA1 (BRCA1 DNA repair associated; minus strand), LOC126862571 (BRD4-independent group 4 enhancer GRCh37_chr17:41243136-41244335; plus strand). Cytogenetic location: 17q21.31.
Variant type: Duplication.
Coding change: c.3243_3288dup on transcript NM_007294.4 (MANE Select); coding-DNA positions 3243 to 3288, 46 bases duplicated.
Protein change: p.Ser1097delinsCysTyrAlaTer.
Molecular consequence: nonsense. On other transcripts: frameshift variant (1), intron variant (137).
Genome position (GRCh38, 1-based): chr17:43,092,243-43,092,288, 46 bases duplicated; duplicating any 46 consecutive bases within chr17:43,092,243-43,092,290 gives the same sequence; the c. name uses the placement nearest the transcript's 3' end. GRCh37 (hg19): chr17:41,244,262-41,244,307.
Other names: 3407insTGCTATGCTTAGATTAGGGGTTTTGCAACCTGAGGTCTATAAACAA; c.3243_3288dup, p.Ser1097delinsCysTyrAlaTer (NM_007294.3, NM_001407854.1, NM_001407858.1 and 31 more transcripts); c.3099_3144dup, p.Ser1049delinsCysTyrAlaTer (NM_001407742.1, NM_001407743.1, NM_001407744.1 and 20 more transcripts); c.3102_3147dup, p.Ser1050delinsCysTyrAlaTer (NM_001407750.1, NM_001407751.1, NM_001407752.1 and 29 more transcripts); c.3030_3075dup, p.Ser1026delinsCysTyrAlaTer (NM_001407853.1, NM_001407894.1, NM_001407895.1 and 9 more transcripts); c.3240_3285dup, p.Ser1096delinsCysTyrAlaTer (NM_001407860.1, NM_001407861.1, NM_001407587.1 and 22 more transcripts); c.3042_3087dup, p.Ser1030delinsCysTyrAlaTer (NM_001407862.1); c.3120_3165dup, p.Ser1056delinsCysTyrAlaTer (NM_001407863.1, NM_001407919.1, NM_001407937.1 and 19 more transcripts); and 42 more.
Identifiers: ClinVar variation 266346 (VCV000266346.24), dbSNP rs1555588016, ClinGen allele CA10589768.